The following is an entry in ClinVar:

NM_004393.6(DAG1):c.1955G>T (p.Arg652Leu)

Gene: DAG1 (dystroglycan 1; plus strand). Cytogenetic location: 3p21.31.
Variant type: single nucleotide variant.
Coding change: c.1955G>T on transcript NM_004393.6 (MANE Select); coding-DNA position 1955, G replaced by T.
Protein change: p.Arg652Leu; replaces arginine 652 with leucine.
Molecular consequence: missense variant.
Genome position (GRCh38, 1-based): chr3:49,532,466, G>T. VCF-style: chr3-49532466-G-T. GRCh37 (hg19) VCF-style: chr3-49569899-G-T.
Other names: c.1955G>T, p.Arg652Leu (NM_001165928.4, NM_001177634.3, NM_001177635.3 and 9 more transcripts); short protein forms R652L.
Identifiers: ClinVar variation 995353 (VCV000995353.5), dbSNP rs368810294, ClinGen allele CA352796506.

ClinVar aggregate classification (germline): Uncertain significance. Review status: criteria provided, multiple submitters, no conflicts (2 of 4 stars). 3 submissions from 3 submitters: Uncertain significance (3). Last evaluated 2024-06-26.

Conditions:
Inborn genetic diseases. Identifiers: MedGen C0950123, MeSH D030342.
Autosomal recessive limb-girdle muscular dystrophy type 2P. Also called: MUSCULAR DYSTROPHY-DYSTROGLYCANOPATHY, LIMB-GIRDLE, DAG1-RELATED; Limb-Girdle Muscular Dystrophy Type 9C; MUSCULAR DYSTROPHY, LIMB-GIRDLE, TYPE 2P. Identifiers: Orphanet 280333, MedGen C4511963, MONDO:0013440, OMIM 613818.
Muscular dystrophy-dystroglycanopathy (congenital with brain and eye anomalies), type A9. Also called: WALKER-WARBURG SYNDROME OR MUSCLE-EYE BRAIN DISEASE, DAG1-RELATED; Muscular dystrophy-dystroglycanopathy (congenital with brain and eye anomalies), type a, 9. Identifiers: Orphanet 370997, Orphanet 899, MedGen C4225291, MONDO:0014683, OMIM 616538.

gnomAD v4.1: 1 of 1,614,198 alleles (0.000062%); no homozygotes.

Submissions (3):

Ambry Genetics
Classification: Uncertain significance for Inborn genetic diseases. Last evaluated: 2024-06-26. Review status: criteria provided, single submitter. Criteria: Ambry Variant Classification Scheme 2023. Collection method: clinical testing. Allele origin: germline.

Labcorp Genetics (formerly Invitae), Labcorp
Classification: Uncertain significance for Autosomal recessive limb-girdle muscular dystrophy type 2P; Muscular dystrophy-dystroglycanopathy (congenital with brain and eye anomalies), type A9. Last evaluated: 2022-08-31. Review status: criteria provided, single submitter. Criteria: Invitae Variant Classification Sherloc (09022015). Collection method: clinical testing. Allele origin: germline.
Comment: In summary, the available evidence is currently insufficient to determine the role of this variant in disease. Therefore, it has been classified as a Variant of Uncertain Significance. Algorithms developed to predict the effect of missense changes on protein structure and function (SIFT, PolyPhen-2, Align-GVGD) all suggest that this variant is likely to be tolerated. ClinVar contains an entry for this variant (Variation ID: 995353). This variant has not been reported in the literature in individuals affected with DAG1-related conditions. This variant is present in population databases (no rsID available, gnomAD 0.006%). This sequence change replaces arginine, which is basic and polar, with leucine, which is neutral and non-polar, at codon 652 of the DAG1 protein (p.Arg652Leu).

Athena Diagnostics
Classification: Uncertain significance. Last evaluated: 2020-01-23. Review status: criteria provided, single submitter. Criteria: Athena Diagnostics Criteria. Collection method: clinical testing. Allele origin: unknown.